The following is an entry in ClinVar:

NM_020975.6(RET):c.334C>G (p.Arg112Gly)

Gene: RET (ret proto-oncogene; plus strand). Cytogenetic location: 10q11.21.
Variant type: single nucleotide variant.
Coding change: c.334C>G on transcript NM_020975.6 (MANE Select); coding-DNA position 334, C replaced by G.
Protein change: p.Arg112Gly; replaces arginine 112 with glycine.
Molecular consequence: missense variant. On other transcripts: intron variant (4).
Genome position (GRCh38, 1-based): chr10:43,100,719, C>G. VCF-style: chr10-43100719-C-G. GRCh37 (hg19) VCF-style: chr10-43596167-C-G.
Other names: c.334C>G, p.Arg112Gly (NM_001406743.1, NM_001406744.1, NM_001406759.1 and 32 more transcripts); c.74-8312C>G (NM_001406784.1); c.74-11380C>G (NM_001406794.1, NM_001406792.1, NM_001406793.1); short protein forms R112G.
Identifiers: ClinVar variation 3788349 (VCV003788349.1).

ClinVar aggregate classification (germline): Uncertain significance (1 of 4 stars; one submission).

Conditions:
Hereditary cancer-predisposing syndrome. Also called: Neoplastic Syndromes, Hereditary; Hereditary Cancer Syndrome; Tumor predisposition; Hereditary neoplastic syndrome. Identifiers: Orphanet 140162, MedGen C0027672, MeSH D009386, MONDO:0015356.

Submission:

Ambry Genetics
Classification: Uncertain significance for Hereditary cancer-predisposing syndrome. Last evaluated: 2025-03-01. Review status: criteria provided, single submitter. Criteria: Ambry Variant Classification Scheme 2023. Collection method: clinical testing. Allele origin: germline.
Comment: The p.R112G variant (also known as c.334C>G), located in coding exon 2 of the RET gene, results from a C to G substitution at nucleotide position 334. The arginine at codon 112 is replaced by glycine, an amino acid with dissimilar properties. This amino acid position is conserved. In addition, the in silico prediction for this alteration is inconclusive. Based on the available evidence, the clinical significance of this variant remains unclear.